The following is an entry in ClinVar:

NM_000987.5(RPL26):c.97C>T (p.Pro33Ser)

Gene: RPL26 (ribosomal protein L26; minus strand). Cytogenetic location: 17p13.1.
Variant type: single nucleotide variant.
Coding change: c.97C>T on transcript NM_000987.5 (MANE Select); coding-DNA position 97, C replaced by T.
Protein change: p.Pro33Ser; replaces proline 33 with serine.
Molecular consequence: missense variant.
Genome position (GRCh38, 1-based): chr17:8,382,214, G>A on the plus strand (C>T on the coding strand, the complement: RPL26 is on the minus strand). VCF-style: chr17-8382214-G-A. GRCh37 (hg19) VCF-style: chr17-8285532-G-A.
Other names: c.97C>T, p.Pro33Ser (NM_001315530.2, NM_001315531.2); short protein forms P33S.
Identifiers: ClinVar variation 1346961 (VCV001346961.8), dbSNP rs747386536, ClinGen allele CA8376133.

ClinVar aggregate classification (germline): Uncertain significance (1 of 4 stars; one submission).

Conditions:
Diamond-Blackfan anemia. Also called: Blackfan Diamond syndrome; Aregenerative anemia chronic congenital; Red cell aplasia, pure hereditary; Congenital hypoplastic anemia; Aase syndrome. Identifiers: Orphanet 124, MedGen C1260899, MeSH D029503, MONDO:0015253, HP:0004810.

Allele frequency attached by ClinVar (database versions not stated): gnomAD exomes below 0.00001 and 0.00001; ExAC 0.00001; gnomAD 0.00001; TOPMed 0.00001.
gnomAD v4.1: 14 of 1,613,426 alleles (0.00087%); highest among the groups gnomAD compares: African/African-American, 0.004%; no homozygotes.

Submission:

Labcorp Genetics (formerly Invitae), Labcorp
Classification: Uncertain significance for Diamond-Blackfan anemia. Last evaluated: 2023-05-24. Review status: criteria provided, single submitter. Criteria: Invitae Variant Classification Sherloc (09022015). Collection method: clinical testing. Allele origin: germline.
Comment: In summary, the available evidence is currently insufficient to determine the role of this variant in disease. Therefore, it has been classified as a Variant of Uncertain Significance. An algorithm developed to predict the effect of missense changes on protein structure and function (PolyPhen-2) suggests that this variant is likely to be tolerated. ClinVar contains an entry for this variant (Variation ID: 1346961). This variant has not been reported in the literature in individuals affected with RPL26-related conditions. This variant is present in population databases (rs747386536, gnomAD 0.006%). This sequence change replaces proline, which is neutral and non-polar, with serine, which is neutral and polar, at codon 33 of the RPL26 protein (p.Pro33Ser).